The following is an entry in ClinVar:

NM_032229.3(SLITRK6):c.1240C>T (p.Gln414Ter)

Gene: SLITRK6 (SLIT and NTRK like family member 6; minus strand). Cytogenetic location: 13q31.1.
Variant type: single nucleotide variant.
Coding change: c.1240C>T on transcript NM_032229.3 (MANE Select); coding-DNA position 1240, C replaced by T.
Protein change: p.Gln414Ter; replaces glutamine 414 with a stop codon.
Molecular consequence: nonsense.
Genome position (GRCh38, 1-based): chr13:85,795,269, G>A on the plus strand (C>T on the coding strand, the complement: SLITRK6 is on the minus strand). VCF-style: chr13-85795269-G-A. GRCh37 (hg19) VCF-style: chr13-86369404-G-A.
Other names: short protein forms Q414*.
Identifiers: ClinVar variation 88860 (VCV000088860.16), dbSNP rs587777069, ClinGen allele CA345325.
Genomic context (GRCh38, chr13:85,795,269, plus strand): 5'-GACCAAGGAACATGCCTTTACTTAATTTGGTCAGGTGGTTACCATTTAGATAGAGTTTTT[G>A]TAATCTCGTTAGGTTCATAAACGATCCTTCTTCAAGAACTTCAATACGATTGTTTCCCAA-3'

ClinVar aggregate classification (germline): Pathogenic/Likely pathogenic. Review status: criteria provided, multiple submitters, no conflicts (2 of 4 stars). 6 submissions from 6 submitters: Pathogenic (3); Likely pathogenic (1). 2 of the submissions do not count toward it. Last evaluated 2025-12-02.

Conditions:
SLITRK6-related disorder. Also called: SLITRK6-related condition.
High myopia-sensorineural deafness syndrome. Also called: Deafness and myopia. Identifiers: Orphanet 363396, MedGen C3806275, MONDO:0009082, OMIM 221200.

Allele frequency attached by ClinVar (database versions not stated): gnomAD 0.00001 and 0.00016; TOPMed 0.00024; ExAC 0.00001.

Submissions (6):

PreventionGenetics, part of Exact Sciences
Classification: Likely pathogenic for SLITRK6-related condition. Last evaluated: 2025-12-02. Review status: criteria provided, single submitter. Criteria: ACMG Guidelines, 2015. Collection method: clinical testing. Allele origin: germline.
Comment: The SLITRK6 c.1240C>T variant is predicted to result in premature protein termination (p.Gln414*). This variant has been reported as pathogenic for autosomal recessive deafness and myopia (Tekin et al. 2013. PubMed ID: 23543054; Morlet et al. 2013. PubMed ID: 23946138; Table S2, Safka Brozkova et al. 2021. PubMed ID: 34062854). This variant is reported in 0.0027% of alleles in individuals of European (Non-Finnish) descent in gnomAD. Nonsense variants in SLITRK6 are expected to be pathogenic. This variant is interpreted as likely pathogenic.

Revvity Omics, Revvity
Classification: Pathogenic for High myopia-sensorineural deafness syndrome. Last evaluated: 2025-04-14. Review status: criteria provided, single submitter. Criteria: ACMG Guidelines, 2015. Collection method: clinical testing. Allele origin: germline.

Labcorp Genetics (formerly Invitae), Labcorp
Classification: Pathogenic. Last evaluated: 2024-10-22. Review status: criteria provided, single submitter. Criteria: Invitae Variant Classification Sherloc (09022015). Collection method: clinical testing. Allele origin: germline.
Comment: This sequence change creates a premature translational stop signal (p.Gln414*) in the SLITRK6 gene. While this is not anticipated to result in nonsense mediated decay, it is expected to disrupt the last 428 amino acid(s) of the SLITRK6 protein. This variant is present in population databases (rs587777069, gnomAD 0.003%). This premature translational stop signal has been observed in individual(s) with deafness and myopia syndrome (PMID: 23543054, 23946138). It has also been observed to segregate with disease in related individuals. ClinVar contains an entry for this variant (Variation ID: 88860). For these reasons, this variant has been classified as Pathogenic.

Neurogenetic Laboratory, Second Faculty of Medicine, Charles University
Classification: Pathogenic for High myopia-sensorineural deafness syndrome. Last evaluated: 2021-03-30. Review status: criteria provided, single submitter. Criteria: ClinGen HL ACMG Specifications v1. Collection method: clinical testing. Allele origin: germline. Affected: yes.

OMIM
Classification: Pathogenic for DEAFNESS AND MYOPIA. Last evaluated: 2014-03-01. Review status: no assertion criteria provided. Collection method: literature only. Allele origin: germline. Not counted in ClinVar's aggregate classification.

GeneReviews
No classification provided. Condition: High myopia-sensorineural deafness syndrome. Review status: no classification provided. Collection method: literature only. Allele origin: germline. Affected: yes. Not counted in ClinVar's aggregate classification.

Literature cited by the submitters: PubMed 23543054 (cited by Labcorp Genetics (formerly Invitae), Labcorp and OMIM); PubMed 23946138 (cited by Labcorp Genetics (formerly Invitae), Labcorp and OMIM); NCBI Bookshelf NBK269029 (cited by GeneReviews).